The following is an entry in ClinVar:

NM_032776.3(JMJD1C):c.103C>T (p.Arg35Ter)

Genes: JMJD1C (jumonji domain containing 1C; minus strand), JMJD1C-AS1 (JMJD1C antisense RNA 1; plus strand). Cytogenetic location: 10q21.3.
Variant type: single nucleotide variant.
Coding change: c.103C>T on transcript NM_032776.3 (MANE Select); coding-DNA position 103, C replaced by T.
Protein change: p.Arg35Ter; replaces arginine 35 with a stop codon.
Molecular consequence: nonsense. On other transcripts: non-coding transcript variant (1), intron variant (2).
Genome position (GRCh38, 1-based): chr10:63,465,560, G>A on the plus strand (C>T on the coding strand, the complement: JMJD1C is on the minus strand). VCF-style: chr10-63465560-G-A. GRCh37 (hg19) VCF-style: chr10-65225320-G-A.
Other names: c.103C>T, p.Arg35Ter (NM_001322252.2); c.-384+56178C>T (NM_001322258.2); c.-379+56178C>T (NM_001318154.2); short protein forms R35*.
Identifiers: ClinVar variation 1380774 (VCV001380774.6), dbSNP rs79181358, ClinGen allele CA377088269.
Genomic context (GRCh38, chr10:63,465,560, plus strand): 5'-GGTCCGGATTGCGGCTGTCCCTGTGTGACACGGCTCGGATGACCCCCGCTCGCCAGCTTC[G>A]CCAGCCGCGTCCGCTCTCCCAGCGCTCCGAACGTGCCTCGTCGCCGACCGCCACACACAG-3'

ClinVar aggregate classification (germline): Uncertain significance (1 of 4 stars; one submission).

Conditions:
Early Myoclonic Encephalopathy. Identifiers: MedGen C0270855.

gnomAD v4.1: 1 of 1,601,496 alleles (0.000062%); no homozygotes.

Submission:

Labcorp Genetics (formerly Invitae), Labcorp
Classification: Uncertain significance for Early Myoclonic Encephalopathy. Last evaluated: 2024-10-16. Review status: criteria provided, single submitter. Criteria: Invitae Variant Classification Sherloc (09022015). Collection method: clinical testing. Allele origin: germline.
Comment: This sequence change creates a premature translational stop signal (p.Arg35*) in the JMJD1C gene. It is expected to result in an absent or disrupted protein product. However, the current clinical and genetic evidence is not sufficient to establish whether loss-of-function variants in JMJD1C cause disease. This variant is not present in population databases (gnomAD no frequency). This variant has not been reported in the literature in individuals affected with JMJD1C-related conditions. ClinVar contains an entry for this variant (Variation ID: 1380774). In summary, the available evidence is currently insufficient to determine the role of this variant in disease. Therefore, it has been classified as a Variant of Uncertain Significance.